The following is an entry in ClinVar:

NM_001142966.3(GREB1L):c.1208-9T>C

Genes: GREB1L (GREB1 like retinoic acid receptor coactivator; plus strand), GREB1L-AS1 (GREB1L antisense RNA 1; minus strand). Cytogenetic location: 18q11.1.
Variant type: single nucleotide variant.
Coding change: c.1208-9T>C on transcript NM_001142966.3 (MANE Select); 9 bases into the intron before coding-DNA position 1208, T replaced by C.
Molecular consequence: intron variant.
Genome position (GRCh38, 1-based): chr18:21,444,215, T>C. VCF-style: chr18-21444215-T-C. GRCh37 (hg19) VCF-style: chr18-19024176-T-C.
Other names: c.1337-9T>C (NM_001410867.1); c.1208-9T>C (NM_001410868.1).
Identifiers: ClinVar variation 3043484 (VCV003043484.2), dbSNP rs754658709, ClinGen allele CA8906387.

ClinVar aggregate classification (germline): Likely benign (0 of 4 stars; one submission).

Conditions:
GREB1L-related disorder. Also called: GREB1L-related condition.

Allele frequency attached by ClinVar (database versions not stated): TOPMed below 0.00001; gnomAD 0.00001; gnomAD exomes 0.00003; ExAC 0.00009.
gnomAD v4.1: 43 of 1,546,924 alleles (0.0028%); highest among the groups gnomAD compares: East Asian, 0.022%; no homozygotes.

Submission:

PreventionGenetics, part of Exact Sciences
Classification: Likely benign for GREB1L-related condition. Last evaluated: 2019-07-22. Review status: no assertion criteria provided. Collection method: clinical testing. Allele origin: germline.
Comment: This variant is classified as likely benign based on ACMG/AMP sequence variant interpretation guidelines (Richards et al. 2015 PMID: 25741868, with internal and published modifications).